The following is an entry in ClinVar:

ClinVar aggregate classification (germline): Uncertain significance (1 of 4 stars; one submission).

Conditions:
Ehlers-Danlos syndrome, type 4 (EDSVASC). Also called: Ehlers-Danlos Syndrome Type IV; Ehlers-Danlos syndrome vascular type; Ehlers Danlos syndrome, ecchymotic type; Ehlers Danlos syndrome, arterial type; Ehlers Danlos syndrome, Sack-Barabas type. Identifiers: Orphanet 286, MedGen C0268338, MONDO:0017314, OMIM 130050.

Submission:

All of Us Research Program, National Institutes of Health
Classification: Uncertain significance for Ehlers-Danlos syndrome, type 4. Last evaluated: 2023-08-08. Review status: criteria provided, single submitter. Criteria: ACMG Guidelines, 2015. Collection method: clinical testing. Allele origin: germline. Inheritance: Autosomal dominant inheritance. Observed: 1 variant allele, 1 heterozygote.
Comment: This missense variant replaces proline with serine at codon 812 of the COL3A1 protein. Computational prediction is inconclusive regarding the impact of this variant on protein structure and function (internally defined REVEL score threshold 0.5 < inconclusive < 0.7, PMID: 27666373). To our knowledge, functional studies have not been reported for this variant. This variant has not been reported in individuals affected with COL3A1-related disorders in the literature. This variant has not been identified in the general population by the Genome Aggregation Database (gnomAD). The available evidence is insufficient to determine the role of this variant in disease conclusively. Therefore, this variant is classified as a Variant of Uncertain Significance.

This study involves interpretation of variants in research participants for the purpose of population health screening. Participant phenotype was not available at the time of variant classification. Additional details can be found in publication PMID: 35346344, PMCID: PMC8962531

NM_000090.4(COL3A1):c.2434C>T (p.Pro812Ser)

Genes: COL3A1 (collagen type III alpha 1 chain; plus strand), LOC126806446 (P300/CBP strongly-dependent group 1 enhancer GRCh37_chr2:189866210-189867409; plus strand). Cytogenetic location: 2q32.2.
Variant type: single nucleotide variant.
Coding change: c.2434C>T on transcript NM_000090.4 (MANE Select); coding-DNA position 2434, C replaced by T.
Protein change: p.Pro812Ser; replaces proline 812 with serine.
Molecular consequence: missense variant.
Genome position (GRCh38, 1-based): chr2:189,002,340, C>T. VCF-style: chr2-189002340-C-T. GRCh37 (hg19) VCF-style: chr2-189867066-C-T.
Other names: short protein forms P812S.
Identifiers: ClinVar variation 3072582 (VCV003072582.1), dbSNP rs2469149453, ClinGen allele CA349842660.
Genomic context (GRCh38, chr2:189,002,340, plus strand): 5'-GGATATTTTTCTCTTCAGGGTGAGAGAGGTGAAACTGGCCCTCCAGGACCTGCTGGTTTC[C>T]CTGGTGCTCCTGTAAGTGTGAATATTTATACATACATGTCCCATAGCCCAGGATCTCTAT-3'
Protein context (NP_000081.2, residues 802-822): ETGPPGPAGF[Pro812Ser]GAPGQNGEPG